The following is an entry in ClinVar:

NM_001101426.4(CRPPA):c.409C>G (p.Leu137Val)

Gene: CRPPA (CDP-L-ribitol pyrophosphorylase A; minus strand). Cytogenetic location: 7p21.2.
Variant type: single nucleotide variant.
Coding change: c.409C>G on transcript NM_001101426.4 (MANE Select); coding-DNA position 409, C replaced by G.
Protein change: p.Leu137Val; replaces leucine 137 with valine.
Molecular consequence: missense variant. On other transcripts: non-coding transcript variant (1).
Genome position (GRCh38, 1-based): chr7:16,406,186, G>C on the plus strand (C>G on the coding strand, the complement: CRPPA is on the minus strand). VCF-style: chr7-16406186-G-C. GRCh37 (hg19) VCF-style: chr7-16445811-G-C.
Other names: c.409C>G (NM_001101426.3); c.409C>G, p.Leu137Val (NM_001101417.4, NM_001368197.1); short protein forms L137V.
Identifiers: ClinVar variation 1680791 (VCV001680791.10), dbSNP rs769346091, ClinGen allele CA4169610.

ClinVar aggregate classification (germline): Uncertain significance. Review status: criteria provided, multiple submitters, no conflicts (2 of 4 stars). 3 submissions from 3 submitters: Uncertain significance (3). Last evaluated 2025-10-14.

Conditions:
Muscular dystrophy-dystroglycanopathy (congenital with brain and eye anomalies), type A, 7. Also called: WALKER-WARBURG SYNDROME OR MUSCLE-EYE-BRAIN DISEASE, ISPD-RELATED; Congenital muscular dystrophy-dystroglycanopathy with brain and eye anomalies, type A7. Identifiers: Orphanet 899, MedGen C3553330, MONDO:0013835, OMIM 614643.
Autosomal recessive limb-girdle muscular dystrophy type 2U. Also called: Muscular dystrophy-dystroglycanopathy (limb-girdle), type c, 7; MUSCULAR DYSTROPHY, LIMB-GIRDLE, TYPE 2U. Identifiers: Orphanet 352479, MedGen C5190987, MONDO:0014474, OMIM 616052.

Allele frequency attached by ClinVar (database versions not stated): TOPMed below 0.00001; gnomAD exomes 0.00001; ExAC 0.00002.
gnomAD v4.1: 3 of 1,614,012 alleles (0.00019%); highest among the groups gnomAD compares: Admixed American, 0.0033%; no homozygotes.

Submissions (3):

Ambry Genetics
Classification: Uncertain significance. Last evaluated: 2025-10-14. Review status: criteria provided, single submitter. Criteria: Ambry Variant Classification Scheme 2023. Collection method: clinical testing. Allele origin: germline.

3billion
Classification: Uncertain significance for Autosomal recessive limb-girdle muscular dystrophy type 2U. Last evaluated: 2023-02-23. Review status: criteria provided, single submitter. Criteria: ACMG Guidelines, 2015. Collection method: clinical testing. Allele origin: unknown. Affected: yes.
Comment: The variant is observed at an extremely low frequency in the gnomAD v2.1.1 dataset (total allele frequency: <0.001%). In silico tool predictions suggest damaging effect of the variant on gene or gene product (REVEL: 0.31; 3Cnet: 0.81). Therefore, this variant is classified as VUS according to the recommendation of ACMG/AMP guideline.

Labcorp Genetics (formerly Invitae), Labcorp
Classification: Uncertain significance for Muscular dystrophy-dystroglycanopathy (congenital with brain and eye anomalies), type A, 7; Autosomal recessive limb-girdle muscular dystrophy type 2U. Last evaluated: 2021-12-23. Review status: criteria provided, single submitter. Criteria: Invitae Variant Classification Sherloc (09022015). Collection method: clinical testing. Allele origin: germline.
Comment: This sequence change replaces leucine, which is neutral and non-polar, with valine, which is neutral and non-polar, at codon 137 of the ISPD protein (p.Leu137Val). This variant is present in population databases (rs769346091, gnomAD 0.006%). This variant has not been reported in the literature in individuals affected with ISPD-related conditions. Algorithms developed to predict the effect of missense changes on protein structure and function are either unavailable or do not agree on the potential impact of this missense change (SIFT: "Deleterious"; PolyPhen-2: "Possibly Damaging"; Align-GVGD: "Class C0"). In summary, the available evidence is currently insufficient to determine the role of this variant in disease. Therefore, it has been classified as a Variant of Uncertain Significance.